The following is an entry in ClinVar:

ClinVar aggregate classification (germline): Uncertain significance (1 of 4 stars; one submission).

Conditions:
Cardiovascular phenotype. Identifiers: MedGen CN230736.

Submission:

Ambry Genetics
Classification: Uncertain significance for Cardiovascular phenotype. Last evaluated: 2026-07-28. Review status: criteria provided, single submitter. Criteria: Ambry Variant Classification Scheme 2023. Collection method: clinical testing. Allele origin: germline.
Comment: The p.T915R variant (also known as c.2744C>G), located in coding exon 21 of the DMD gene, results from a C to G substitution at nucleotide position 2744. The threonine at codon 915 is replaced by arginine, an amino acid with similar properties. This amino acid position is conserved. In addition, this alteration is predicted to be tolerated by in silico analysis. Based on the available evidence, the clinical significance of this variant remains unclear.

NM_004006.3(DMD):c.2744C>G (p.Thr915Arg)

Gene: DMD (dystrophin; minus strand). Cytogenetic location: Xp21.1.
Variant type: single nucleotide variant.
Coding change: c.2744C>G on transcript NM_004006.3 (MANE Select); coding-DNA position 2744, C replaced by G.
Protein change: p.Thr915Arg; replaces threonine 915 with arginine.
Molecular consequence: missense variant.
Genome position (GRCh38, 1-based): chrX:32,484,978, G>C on the plus strand (C>G on the coding strand, the complement: DMD is on the minus strand). VCF-style: chrX-32484978-G-C. GRCh37 (hg19) VCF-style: chrX-32503095-G-C.
Other names: c.2732C>G, p.Thr911Arg (NM_004009.3); c.2375C>G, p.Thr792Arg (NM_004010.3); c.2720C>G, p.Thr907Arg (NM_000109.4); short protein forms T792R, T907R, T911R, T915R.
Identifiers: ClinVar variation 5035396 (VCV005035396.1).